The following is an entry in ClinVar:

NM_018245.3(OGDHL):c.1906C>T (p.Arg636Trp)

Gene: OGDHL (oxoglutarate dehydrogenase L; minus strand). Cytogenetic location: 10q11.23.
Variant type: single nucleotide variant.
Coding change: c.1906C>T on transcript NM_018245.3 (MANE Select); coding-DNA position 1906, C replaced by T.
Protein change: p.Arg636Trp; replaces arginine 636 with tryptophan.
Molecular consequence: missense variant. On other transcripts: non-coding transcript variant (5).
Genome position (GRCh38, 1-based): chr10:49,742,934, G>A on the plus strand (C>T on the coding strand, the complement: OGDHL is on the minus strand). VCF-style: chr10-49742934-G-A. GRCh37 (hg19) VCF-style: chr10-50950980-G-A.
Other names: c.1735C>T, p.Arg579Trp (NM_001143996.2, NM_001347820.1); c.1279C>T, p.Arg427Trp (NM_001143997.2, NM_001347821.2, NM_001347822.1); c.1906C>T, p.Arg636Trp (NM_001347819.1); c.1726C>T, p.Arg576Trp (NM_001347823.1, NM_001347824.2); c.1099C>T, p.Arg367Trp (NM_001347825.2); c.709C>T, p.Arg237Trp (NM_001347826.1); short protein forms R367W, R427W, R579W, R576W, R237W, R636W.
Identifiers: ClinVar variation 2309483 (VCV002309483.3), dbSNP rs773683494, ClinGen allele CA5498372.
Genomic context (GRCh38, chr10:49,742,934, plus strand): 5'-TGCCTTCCTTCAGCAGGGAGCCAAAGGCCATGTACTCTGCCAACGCCCAGTCCACCGTCC[G>A]GTTCTTGGTCATGTCCGCACGGCCCCGCAGAATGCGAGAGAGGCCTGTGGGAAAGGAGTG-3'
Protein context (NP_060715.2, residues 626-646): LRGRADMTKN[Arg636Trp]TVDWALAEYM

ClinVar aggregate classification (germline): Uncertain significance. Review status: criteria provided, multiple submitters, no conflicts (2 of 4 stars). 2 submissions from 2 submitters: Uncertain significance (2). Last evaluated 2025-05-28.

Conditions:
Inborn genetic diseases. Identifiers: MedGen C0950123, MeSH D030342.

Allele frequency attached by ClinVar (database versions not stated): TOPMed 0.00001; gnomAD 0.00002.
gnomAD v4.1: 20 of 1,613,836 alleles (0.0012%); highest among the groups gnomAD compares: Admixed American, 0.018%; no homozygotes.

Submissions (2):

GeneDx
Classification: Uncertain significance. Last evaluated: 2025-05-28. Review status: criteria provided, single submitter. Criteria: GeneDx Variant Classification Process June 2021. Collection method: clinical testing. Allele origin: germline. Affected: yes.
Comment: In silico analysis supports that this missense variant has a deleterious effect on protein structure/function; Has not been previously published as pathogenic or benign to our knowledge

Ambry Genetics
Classification: Uncertain significance for Inborn genetic diseases. Last evaluated: 2022-08-30. Review status: criteria provided, single submitter. Criteria: Ambry Variant Classification Scheme 2023. Collection method: clinical testing. Allele origin: germline.